The following is an entry in ClinVar:

NM_031433.4(MFRP):c.1639C>T (p.His547Tyr)

Genes: C1QTNF5 (C1q and TNF related 5; minus strand), MFRP (membrane frizzled-related protein; minus strand). Cytogenetic location: 11q23.3.
Variant type: single nucleotide variant.
Coding change: c.1639C>T on transcript NM_031433.4 (MANE Select); coding-DNA position 1639, C replaced by T.
Protein change: p.His547Tyr; replaces histidine 547 with tyrosine.
Molecular consequence: missense variant. On other transcripts: 5 prime UTR variant (1).
Genome position (GRCh38, 1-based): chr11:119,341,649, G>A on the plus strand (C>T on the coding strand, the complement: MFRP is on the minus strand). VCF-style: chr11-119341649-G-A. GRCh37 (hg19) VCF-style: chr11-119212359-G-A.
Other names: c.-998C>T (NM_015645.5); short protein forms H547Y.
Identifiers: ClinVar variation 1401350 (VCV001401350.6), dbSNP rs770430181, ClinGen allele CA6320045.

ClinVar aggregate classification (germline): Uncertain significance (1 of 4 stars; one submission).

Conditions:
Isolated microphthalmia 5. Also called: Posterior Microphthalmia with Retinitis Pigmentosa, Foveoschisis, and Optic Disc Drusen. Identifiers: Orphanet 251279, MedGen C1970236, MONDO:0012605, OMIM 611040.

Allele frequency attached by ClinVar (database versions not stated): gnomAD exomes below 0.00001; ExAC 0.00001; TOPMed 0.00002.
gnomAD v4.1: 6 of 1,613,014 alleles (0.00037%); highest among the groups gnomAD compares: Non-Finnish European, 0.00051%; no homozygotes.

Submission:

Labcorp Genetics (formerly Invitae), Labcorp
Classification: Uncertain significance for Isolated microphthalmia 5. Last evaluated: 2021-10-22. Review status: criteria provided, single submitter. Criteria: Invitae Variant Classification Sherloc (09022015). Collection method: clinical testing. Allele origin: germline.
Comment: In summary, the available evidence is currently insufficient to determine the role of this variant in disease. Therefore, it has been classified as a Variant of Uncertain Significance. This sequence change replaces histidine with tyrosine at codon 547 of the MFRP protein (p.His547Tyr). The histidine residue is weakly conserved and there is a moderate physicochemical difference between histidine and tyrosine. This variant is present in population databases (rs770430181, ExAC 0.002%). This variant has not been reported in the literature in individuals affected with MFRP-related conditions. Algorithms developed to predict the effect of missense changes on protein structure and function (SIFT, PolyPhen-2, Align-GVGD) all suggest that this variant is likely to be tolerated.